The following is an entry in ClinVar:

ClinVar aggregate classification (germline): Uncertain significance (1 of 4 stars; one submission).

Submission:

Labcorp Genetics (formerly Invitae), Labcorp
Classification: Uncertain significance. Last evaluated: 2022-08-19. Review status: criteria provided, single submitter. Criteria: Invitae Variant Classification Sherloc (09022015). Collection method: clinical testing. Allele origin: germline.
Comment: This sequence change replaces valine, which is neutral and non-polar, with isoleucine, which is neutral and non-polar, at codon 72 of the CARMIL2 protein (p.Val72Ile). This variant is not present in population databases (gnomAD no frequency). This variant has not been reported in the literature in individuals affected with CARMIL2-related conditions. Algorithms developed to predict the effect of missense changes on protein structure and function (SIFT, PolyPhen-2, Align-GVGD) all suggest that this variant is likely to be tolerated. In summary, the available evidence is currently insufficient to determine the role of this variant in disease. Therefore, it has been classified as a Variant of Uncertain Significance.

NM_001013838.3(CARMIL2):c.214G>A (p.Val72Ile)

Gene: CARMIL2 (capping protein regulator and myosin 1 linker 2; plus strand). Cytogenetic location: 16q22.1.
Variant type: single nucleotide variant.
Coding change: c.214G>A on transcript NM_001013838.3 (MANE Select); coding-DNA position 214, G replaced by A.
Protein change: p.Val72Ile; replaces valine 72 with isoleucine.
Molecular consequence: missense variant.
Genome position (GRCh38, 1-based): chr16:67,646,045, G>A. VCF-style: chr16-67646045-G-A. GRCh37 (hg19) VCF-style: chr16-67679948-G-A.
Other names: c.214G>A, p.Val72Ile (NM_001317026.3); short protein forms V72I.
Identifiers: ClinVar variation 1992501 (VCV001992501.4), dbSNP rs2543531409, ClinGen allele CA396330676.